The following is an entry in ClinVar:

ClinVar aggregate classification (germline): Likely pathogenic (1 of 4 stars; one submission).

Conditions:
Ehlers-Danlos syndrome, classic type, 1 (EDSCL1). Also called: EHLERS-DANLOS SYNDROME, GRAVIS TYPE; EHLERS-DANLOS SYNDROME, SEVERE CLASSIC TYPE; Ehlers-Danlos syndrome, type 1; Ehlers-Danlos Syndrome, Classic Type, COL5A1-Related; EDS I. Identifiers: MedGen C0268335, MONDO:0019567, OMIM 130000.

Submission:

Labcorp Genetics (formerly Invitae), Labcorp
Classification: Likely pathogenic for Ehlers-Danlos syndrome, classic type, 1. Last evaluated: 2022-12-06. Review status: criteria provided, single submitter. Criteria: Invitae Variant Classification Sherloc (09022015). Collection method: clinical testing. Allele origin: germline.
Comment: In summary, the currently available evidence indicates that the variant is pathogenic, but additional data are needed to prove that conclusively. Therefore, this variant has been classified as Likely Pathogenic. Algorithms developed to predict the effect of sequence changes on RNA splicing suggest that this variant may disrupt the consensus splice site. ClinVar contains an entry for this variant (Variation ID: 1508026). This variant has not been reported in the literature in individuals affected with COL5A2-related conditions. This variant is not present in population databases (gnomAD no frequency). This sequence change affects a donor splice site in intron 32 of the COL5A2 gene. It is expected to disrupt RNA splicing. Variants that disrupt the donor or acceptor splice site typically lead to a loss of protein function (PMID: 16199547), and loss-of-function variants in COL5A2 are known to be pathogenic (PMID: 23587214).

Literature cited by the submitters: PubMed 16199547; PubMed 23587214.

NM_000393.5(COL5A2):c.2130+1G>A

Gene: COL5A2 (collagen type V alpha 2 chain; minus strand). Cytogenetic location: 2q32.2.
Variant type: single nucleotide variant.
Coding change: c.2130+1G>A on transcript NM_000393.5 (MANE Select); the canonical splice donor site of the intron after coding-DNA position 2130, G replaced by A.
Molecular consequence: splice donor variant.
Genome position (GRCh38, 1-based): chr2:189,058,848, C>T on the plus strand (G>A on the coding strand, the complement: COL5A2 is on the minus strand). VCF-style: chr2-189058848-C-T. GRCh37 (hg19) VCF-style: chr2-189923574-C-T.
Identifiers: ClinVar variation 1508026 (VCV001508026.8), dbSNP rs2105579086, ClinGen allele CA349876102.